The following is an entry in ClinVar:

NM_003060.4(SLC22A5):c.1549C>T (p.Leu517Phe)

Gene: SLC22A5 (solute carrier family 22 member 5; plus strand). Cytogenetic location: 5q31.1.
Variant type: single nucleotide variant.
Coding change: c.1549C>T on transcript NM_003060.4 (MANE Select); coding-DNA position 1549, C replaced by T.
Protein change: p.Leu517Phe; replaces leucine 517 with phenylalanine.
Molecular consequence: missense variant.
Genome position (GRCh38, 1-based): chr5:132,393,774, C>T. VCF-style: chr5-132393774-C-T. GRCh37 (hg19) VCF-style: chr5-131729466-C-T.
Other names: c.1621C>T, p.Leu541Phe (NM_001308122.2); c.1549C>T (NM_003060.3); short protein forms L541F, L517F.
Identifiers: ClinVar variation 2151107 (VCV002151107.2), dbSNP rs200479243, ClinGen allele CA3404193.

ClinVar aggregate classification (germline): Uncertain significance. Review status: criteria provided, multiple submitters, no conflicts (2 of 4 stars). 2 submissions from 2 submitters: Uncertain significance (2). Last evaluated 2022-12-19.

Conditions:
Renal carnitine transport defect (CDSP). Also called: Primary carnitine deficiency; Systemic primary carnitine deficiency disease; Systemic primary carnitine deficiency; Carnitine transporter deficiency; Carnitine Deficiency, Systemic; CARNITINE DEFICIENCY, SYSTEMIC, DUE TO DEFECT IN RENAL REABSORPTION OF CARNITINE. Identifiers: Orphanet 158, MedGen C0342788, MONDO:0008919, OMIM 212140.
Inborn genetic diseases. Identifiers: MedGen C0950123, MeSH D030342.

Allele frequency attached by ClinVar (database versions not stated): gnomAD exomes below 0.00001; ExAC 0.00001; gnomAD 0.00001; TOPMed 0.00001; ESP Exome Variant Server 0.00008.
gnomAD v4.1: 4 of 1,614,090 alleles (0.00025%); highest among the groups gnomAD compares: Non-Finnish European, 0.00034%; no homozygotes.

Submissions (2):

Ambry Genetics
Classification: Uncertain significance for Inborn genetic diseases. Last evaluated: 2022-12-19. Review status: criteria provided, single submitter. Criteria: Ambry Variant Classification Scheme 2023. Collection method: clinical testing. Allele origin: germline.

Labcorp Genetics (formerly Invitae), Labcorp
Classification: Uncertain significance for Renal carnitine transport defect. Last evaluated: 2022-09-27. Review status: criteria provided, single submitter. Criteria: Invitae Variant Classification Sherloc (09022015). Collection method: clinical testing. Allele origin: germline.
Comment: This sequence change replaces leucine, which is neutral and non-polar, with phenylalanine, which is neutral and non-polar, at codon 517 of the SLC22A5 protein (p.Leu517Phe). This variant is present in population databases (rs200479243, gnomAD 0.0009%). This variant has not been reported in the literature in individuals affected with SLC22A5-related conditions. Advanced modeling of protein sequence and biophysical properties (such as structural, functional, and spatial information, amino acid conservation, physicochemical variation, residue mobility, and thermodynamic stability) performed at Invitae indicates that this missense variant is expected to disrupt SLC22A5 protein function. In summary, the available evidence is currently insufficient to determine the role of this variant in disease. Therefore, it has been classified as a Variant of Uncertain Significance.